The following is an entry in ClinVar:

NM_001303052.2(MYT1L):c.2554G>T (p.Glu852Ter)

Gene: MYT1L (myelin transcription factor 1 like; minus strand). Cytogenetic location: 2p25.3.
Variant type: single nucleotide variant.
Coding change: c.2554G>T on transcript NM_001303052.2 (MANE Select); coding-DNA position 2554, G replaced by T.
Protein change: p.Glu852Ter; replaces glutamic acid 852 with a stop codon.
Molecular consequence: nonsense.
Genome position (GRCh38, 1-based): chr2:1,887,576, C>A on the plus strand (G>T on the coding strand, the complement: MYT1L is on the minus strand). VCF-style: chr2-1887576-C-A. GRCh37 (hg19) VCF-style: chr2-1891348-C-A.
Other names: c.2554G>T, p.Glu852Ter (NM_001329844.2, NM_001329845.1, NM_001329851.3); c.2548G>T, p.Glu850Ter (NM_001329846.3, NM_001329847.2, NM_001329848.1 and 3 more transcripts); short protein forms E850*, E852*.
Identifiers: ClinVar variation 489036 (VCV000489036.2), dbSNP rs1553295440, ClinGen allele CA345709722.
Genomic context (GRCh38, chr2:1,887,576, plus strand): 5'-ACTGAGGGTACTTGGGTTTGGGACTTGGGATGGTCACCTCCCCGGGATACCGTCTTTCTT[C>A]TAGAGCCTCCTGGAATGGGTCCAAGTCTTCTGGCTGTGGGCAAAACACAGCTTCAGAGCC-3'

ClinVar aggregate classification (germline): Pathogenic (1 of 4 stars; one submission).

Submission:

GeneDx
Classification: Pathogenic. Last evaluated: 2017-07-28. Review status: criteria provided, single submitter. Criteria: GeneDx Variant Classification (06012015). Collection method: clinical testing. Allele origin: germline. Affected: yes.
Comment: The E850X variant in the MYT1L gene has not been reported previously as a pathogenic variant noras a benign variant, to our knowledge. This variant is predicted to cause loss of normal proteinfunction either through protein truncation or nonsense-mediated mRNA decay. The E850X variant isnot observed in large population cohorts (Lek et al., 2016; 1000 Genomes Consortium et al., 2015;Exome Variant Server). We interpret E850X as a pathogenic variant